The following is an entry in ClinVar:

NM_001278669.2(NFATC1):c.1817A>G (p.Tyr606Cys)

Gene: NFATC1 (nuclear factor of activated T cells 1; plus strand). Cytogenetic location: 18q23.
Variant type: single nucleotide variant.
Coding change: c.1817A>G on transcript NM_001278669.2 (MANE Select); coding-DNA position 1817, A replaced by G.
Protein change: p.Tyr606Cys; replaces tyrosine 606 with cysteine.
Molecular consequence: missense variant.
Genome position (GRCh38, 1-based): chr18:79,451,730, A>G. VCF-style: chr18-79451730-A-G. GRCh37 (hg19) VCF-style: chr18-77211730-A-G.
Other names: c.1817A>G, p.Tyr606Cys (NM_001278670.2, NM_006162.5, NM_172390.3); c.1778A>G, p.Tyr593Cys (NM_001278672.2, NM_001278675.2, NM_172387.3 and 1 more transcripts); c.401A>G, p.Tyr134Cys (NM_001278673.2, NM_172388.3); short protein forms Y593C, Y606C, Y134C.
Identifiers: ClinVar variation 2912826 (VCV002912826.3), dbSNP rs759736807, ClinGen allele CA9009354.

ClinVar aggregate classification (germline): Uncertain significance (1 of 4 stars; one submission).

Allele frequency attached by ClinVar (database versions not stated): TOPMed 0.00001; gnomAD 0.00005; ExAC 0.00009.
gnomAD v4.1: 83 of 1,612,896 alleles (0.0051%); highest among the groups gnomAD compares: Non-Finnish European, 0.0059%; no homozygotes.

Submission:

Labcorp Genetics (formerly Invitae), Labcorp
Classification: Uncertain significance. Last evaluated: 2023-05-19. Review status: criteria provided, single submitter. Criteria: Invitae Variant Classification Sherloc (09022015). Collection method: clinical testing. Allele origin: germline.
Comment: In summary, the available evidence is currently insufficient to determine the role of this variant in disease. Therefore, it has been classified as a Variant of Uncertain Significance. Algorithms developed to predict the effect of missense changes on protein structure and function output the following: SIFT: "Not Available"; PolyPhen-2: "Benign"; Align-GVGD: "Not Available". The cysteine amino acid residue is found in multiple mammalian species, which suggests that this missense change does not adversely affect protein function. This variant has not been reported in the literature in individuals affected with NFATC1-related conditions. This variant is present in population databases (rs759736807, gnomAD 0.02%). This sequence change replaces tyrosine, which is neutral and polar, with cysteine, which is neutral and slightly polar, at codon 606 of the NFATC1 protein (p.Tyr606Cys).